The following is an entry in ClinVar:

NM_005560.6(LAMA5):c.9920G>T (p.Gly3307Val)

Gene: LAMA5 (laminin subunit alpha 5; minus strand). Cytogenetic location: 20q13.33.
Variant type: single nucleotide variant.
Coding change: c.9920G>T on transcript NM_005560.6 (MANE Select); coding-DNA position 9920, G replaced by T.
Protein change: p.Gly3307Val; replaces glycine 3307 with valine.
Molecular consequence: missense variant.
Genome position (GRCh38, 1-based): chr20:62,311,423, C>A on the plus strand (G>T on the coding strand, the complement: LAMA5 is on the minus strand). VCF-style: chr20-62311423-C-A. GRCh37 (hg19) VCF-style: chr20-60886479-C-A.
Other names: short protein forms G3307V.
Identifiers: ClinVar variation 2966097 (VCV002966097.1), dbSNP rs753814068, ClinGen allele CA9940007.

ClinVar aggregate classification (germline): Uncertain significance (1 of 4 stars; one submission).

Allele frequency attached by ClinVar (database versions not stated): TOPMed 0.00001; gnomAD 0.00005; ExAC 0.00054.
gnomAD v4.1: 153 of 1,586,396 alleles (0.0096%); highest among the groups gnomAD compares: South Asian, 0.16%; no homozygotes.

Submission:

Labcorp Genetics (formerly Invitae), Labcorp
Classification: Uncertain significance. Last evaluated: 2022-11-25. Review status: criteria provided, single submitter. Criteria: Invitae Variant Classification Sherloc (09022015). Collection method: clinical testing. Allele origin: germline.
Comment: In summary, the available evidence is currently insufficient to determine the role of this variant in disease. Therefore, it has been classified as a Variant of Uncertain Significance. Advanced modeling of protein sequence and biophysical properties (such as structural, functional, and spatial information, amino acid conservation, physicochemical variation, residue mobility, and thermodynamic stability) performed at Invitae indicates that this missense variant is not expected to disrupt LAMA5 protein function. This variant has not been reported in the literature in individuals affected with LAMA5-related conditions. This variant is present in population databases (rs753814068, gnomAD 0.2%). This sequence change replaces glycine, which is neutral and non-polar, with valine, which is neutral and non-polar, at codon 3307 of the LAMA5 protein (p.Gly3307Val).